The following is an entry in ClinVar:

ClinVar aggregate classification (germline): Pathogenic (1 of 4 stars; one submission).

Submission:

Labcorp Genetics (formerly Invitae), Labcorp
Classification: Pathogenic. Last evaluated: 2023-08-16. Review status: criteria provided, single submitter. Criteria: Invitae Variant Classification Sherloc (09022015). Collection method: clinical testing. Allele origin: germline.
Comment: This sequence change creates a premature translational stop signal (p.Arg99Serfs*31) in the PEPD gene. It is expected to result in an absent or disrupted protein product. Loss-of-function variants in PEPD are known to be pathogenic (PMID: 8198124, 10721675, 12384772, 17142620). This variant is not present in population databases (gnomAD no frequency). This variant has not been reported in the literature in individuals affected with PEPD-related conditions. For these reasons, this variant has been classified as Pathogenic.

Literature cited by the submitters: PubMed 8198124; PubMed 10721675; PubMed 12384772; PubMed 17142620.

NM_000285.4(PEPD):c.297del (p.Arg99fs)

Gene: PEPD (peptidase D; minus strand). Cytogenetic location: 19q13.11.
Variant type: Deletion.
Coding change: c.297del on transcript NM_000285.4 (MANE Select); coding-DNA position 297, one base deleted (G; older notation c.297delG).
Protein change: p.Arg99fs; shifts the reading frame from arginine 99.
Molecular consequence: frameshift variant. On other transcripts: intron variant (1).
Genome position (GRCh38, 1-based): chr19:33,511,060, C deleted on the plus strand (G on the coding strand, the reverse complement: PEPD is on the minus strand); the first of 2 consecutive C bases (chr19:33,511,060-33,511,061); deleting either gives the same sequence. VCF-style (leftmost placement, unchanged base first): chr19-33511059-GC-G. GRCh37 (hg19) VCF-style: chr19-34001965-GC-G.
Other names: c.297del, p.Arg99fs (NM_001166056.2); c.201+1533del (NM_001166057.2); short protein forms R99fs.
Identifiers: ClinVar variation 2752938 (VCV002752938.3), dbSNP rs2513524236, ClinGen allele CA2576747015.
Genomic context (GRCh38, chr19:33,511,059, plus strand): 5'-CATGGTGCCCTGGCCAGGCTGCTCCTTACTTTCCCATCCAGGTGGCATGGCTGGCAGGAA[GC>G]CTGGGCACAAACAGGGTCGACTTCCCAGTGTCAACATCGATGACACCATAGCAGCCTGGC-3'